The following is an entry in ClinVar:

ClinVar aggregate classification (germline): Likely benign (1 of 4 stars; one submission).

Submission:

GeneDx
Classification: Likely benign. Last evaluated: 2017-10-16. Review status: criteria provided, single submitter. Criteria: GeneDx Variant Classification (06012015). Collection method: clinical testing. Allele origin: germline. Affected: yes.
Comment: This variant is considered likely benign or benign based on one or more of the following criteria: it is a conservative change, it occurs at a poorly conserved position in the protein, it is predicted to be benign by multiple in silico algorithms, and/or has population frequency not consistent with disease.

NM_004519.4(KCNQ3):c.2550C>T (p.Ser850=)

Gene: KCNQ3 (potassium voltage-gated channel subfamily Q member 3; minus strand). Cytogenetic location: 8q24.22.
Variant type: single nucleotide variant.
Coding change: c.2550C>T on transcript NM_004519.4 (MANE Select); coding-DNA position 2550, C replaced by T.
Protein change: p.Ser850=; no amino-acid change (serine 850 retained).
Molecular consequence: synonymous variant.
Genome position (GRCh38, 1-based): chr8:132,129,331, G>A on the plus strand (C>T on the coding strand, the complement: KCNQ3 is on the minus strand). VCF-style: chr8-132129331-G-A. GRCh37 (hg19) VCF-style: chr8-133141578-G-A.
Other names: c.2190C>T, p.Ser730= (NM_001204824.2).
Identifiers: ClinVar variation 512630 (VCV000512630.1), dbSNP rs1554621294, ClinGen allele CA463214557.